The following is an entry in ClinVar:

NM_001105206.3(LAMA4):c.620G>A (p.Gly207Asp)

Gene: LAMA4 (laminin subunit alpha 4; minus strand). Cytogenetic location: 6q21.
Variant type: single nucleotide variant.
Coding change: c.620G>A on transcript NM_001105206.3 (MANE Select); coding-DNA position 620, G replaced by A.
Protein change: p.Gly207Asp; replaces glycine 207 with aspartic acid.
Molecular consequence: missense variant.
Genome position (GRCh38, 1-based): chr6:112,191,734, C>T on the plus strand (G>A on the coding strand, the complement: LAMA4 is on the minus strand). VCF-style: chr6-112191734-C-T. GRCh37 (hg19) VCF-style: chr6-112512936-C-T.
Other names: p.G207D:GGC>GAC; c.620G>A, p.Gly207Asp (NM_001105207.3, NM_002290.5); short protein forms G207D.
Identifiers: ClinVar variation 213598 (VCV000213598.4), dbSNP rs863223690, ClinGen allele CA321552.

ClinVar aggregate classification (germline): Likely pathogenic (1 of 4 stars; one submission).

Submission:

GeneDx
Classification: Likely pathogenic. Last evaluated: 2014-08-15. Review status: criteria provided, single submitter. Criteria: GeneDx Variant Classification (06012015). Collection method: clinical testing. Allele origin: germline. Affected: yes.
Comment: p.Gly207Asp (GGC>GAC): c.620 G>A in exon 6 of the LAMA4 gene (NM_002290.3). A variant of unknown significance has been identified in the LAMA4 gene. The G207D variant has not been published as a mutation, nor has it been reported as a benign polymorphism to our knowledge. The G207D variant was not observed in approximately 6,500 individuals of European and African American ancestry in the NHLBI Exome Sequencing Project, indicating it is not a common benign variant in these populations. Additionally, the G207D variant is a non-conservative amino acid substitution, which is likely to impact secondary protein structure as these residues differ in polarity, charge, size and/or other properties. Furthermore, this substitution occurs at a position that is conserved across species and in silico analysis predicts this variant is probably damaging to the protein structure/function. Therefore, based on the currently available information, it is unclear whether this variant is a pathogenic mutation or a rare benign variant. This variant was found in CARDIOMYOPATHY